The following is an entry in ClinVar:

NM_005560.6(LAMA5):c.1397C>T (p.Thr466Met)

Gene: LAMA5 (laminin subunit alpha 5; minus strand). Cytogenetic location: 20q13.33.
Variant type: single nucleotide variant.
Coding change: c.1397C>T on transcript NM_005560.6 (MANE Select); coding-DNA position 1397, C replaced by T.
Protein change: p.Thr466Met; replaces threonine 466 with methionine.
Molecular consequence: missense variant.
Genome position (GRCh38, 1-based): chr20:62,346,101, G>A on the plus strand (C>T on the coding strand, the complement: LAMA5 is on the minus strand). VCF-style: chr20-62346101-G-A. GRCh37 (hg19) VCF-style: chr20-60921157-G-A.
Other names: short protein forms T466M.
Identifiers: ClinVar variation 2072591 (VCV002072591.4), dbSNP rs149061223, ClinGen allele CA9943969.
Genomic context (GRCh38, chr20:62,346,101, plus strand): 5'-GGCAGTGGTGTCTGTTTGGATGCCCCTGGCAGGTGCTCACGGTAGCAGCTTGGGAAGCCC[G>A]TGAAGCCCTCGGCACACACGTCACACCGCTCCCCAGAGAAGTTGGGCCGGCAGTAGCATC-3'
Protein context (NP_005551.3, residues 456-476): ERCDVCAEGF[Thr466Met]GFPSCYPTPS

ClinVar aggregate classification (germline): Uncertain significance. Review status: criteria provided, multiple submitters, no conflicts (2 of 4 stars). 2 submissions from 2 submitters: Uncertain significance (2). Last evaluated 2024-10-25.

Conditions:
Inborn genetic diseases. Identifiers: MedGen C0950123, MeSH D030342.

Allele frequency attached by ClinVar (database versions not stated): ExAC 0.00012; gnomAD exomes 0.00014; ESP Exome Variant Server 0.00015; gnomAD 0.00018; TOPMed 0.00018.
gnomAD v4.1: 225 of 1,612,916 alleles (0.014%); highest among the groups gnomAD compares: Non-Finnish European, 0.019%; no homozygotes.

Submissions (2):

Labcorp Genetics (formerly Invitae), Labcorp
Classification: Uncertain significance. Last evaluated: 2024-10-25. Review status: criteria provided, single submitter. Criteria: Invitae Variant Classification Sherloc (09022015). Collection method: clinical testing. Allele origin: germline.
Comment: This sequence change replaces threonine, which is neutral and polar, with methionine, which is neutral and non-polar, at codon 466 of the LAMA5 protein (p.Thr466Met). This variant is present in population databases (rs149061223, gnomAD 0.03%). This variant has not been reported in the literature in individuals affected with LAMA5-related conditions. ClinVar contains an entry for this variant (Variation ID: 2072591). An algorithm developed to predict the effect of missense changes on protein structure and function outputs the following: PolyPhen-2: "Benign". The methionine amino acid residue is found in multiple mammalian species, which suggests that this missense change does not adversely affect protein function. In summary, the available evidence is currently insufficient to determine the role of this variant in disease. Therefore, it has been classified as a Variant of Uncertain Significance.

Ambry Genetics
Classification: Uncertain significance for Inborn genetic diseases. Last evaluated: 2021-10-22. Review status: criteria provided, single submitter. Criteria: Ambry Variant Classification Scheme 2023. Collection method: clinical testing. Allele origin: germline.